The following is an entry in ClinVar:

ClinVar aggregate classification (germline): Conflicting classifications of pathogenicity. Review status: criteria provided, conflicting classifications (1 of 4 stars). 9 submissions from 9 submitters: Uncertain significance (2); Likely benign (6). 1 of the submissions does not count toward it. Last evaluated 2026-09-01.

Conditions:
MYO15A-related disorder. Also called: MYO15A-related condition.
Inborn genetic diseases. Identifiers: MedGen C0950123, MeSH D030342.
Autosomal recessive nonsyndromic hearing loss 3. Also called: NEUROSENSORY NONSYNDROMIC RECESSIVE DEAFNESS 3. Identifiers: Orphanet 90636, MedGen C1838263, MONDO:0010860, OMIM 600316.

Allele frequency attached by ClinVar (database versions not stated): 1000 Genomes Project 0.00040; 1000 Genomes Project 30x 0.00047; TOPMed 0.00180; gnomAD exomes 0.00192 and 0.00223; ESP Exome Variant Server 0.00193; gnomAD 0.00194 and 0.00197; ExAC 0.00199.
gnomAD v4.1: 3,529 of 1,613,798 alleles (0.22%); highest among the groups gnomAD compares: Non-Finnish European, 0.25%; 13 homozygotes.

Submissions (9):

CeGaT Center for Human Genetics Tuebingen
Classification: Likely benign. Last evaluated: 2026-09-01. Review status: criteria provided, single submitter. Criteria: CeGaT Center For Human Genetics Tuebingen Variant Classification Criteria Version 2. Collection method: clinical testing. Allele origin: germline. Affected: yes. Observed: 4 variant alleles.
Comment: MYO15A: BS2

Labcorp Genetics (formerly Invitae), Labcorp
Classification: Likely benign. Last evaluated: 2025-12-26. Review status: criteria provided, single submitter. Criteria: Invitae Variant Classification Sherloc (09022015). Collection method: clinical testing. Allele origin: germline.

Blueprint Genetics
Classification: Likely benign. Last evaluated: 2024-11-22. Review status: criteria provided, single submitter. Criteria: ACMG Guidelines, 2015. Collection method: clinical testing. Allele origin: germline.

GeneDx
Classification: Likely benign. Last evaluated: 2020-07-15. Review status: criteria provided, single submitter. Criteria: GeneDx Variant Classification Process June 2021. Collection method: clinical testing. Allele origin: germline. Affected: yes.

Ambry Genetics
Classification: Uncertain significance for Inborn genetic diseases. Last evaluated: 2019-04-04. Review status: criteria provided, single submitter. Criteria: Ambry exome assertion method (8-5-2015). Collection method: clinical testing. Allele origin: germline. Affected: yes. Observed: 1 variant allele.

Athena Diagnostics
Classification: Likely benign. Last evaluated: 2018-11-26. Review status: criteria provided, single submitter. Criteria: Athena Diagnostics Criteria. Collection method: clinical testing. Allele origin: germline.

Illumina Laboratory Services, Illumina
Classification: Uncertain significance for Autosomal recessive nonsyndromic hearing loss 3. Last evaluated: 2018-01-12. Review status: criteria provided, single submitter. Criteria: ICSL Variant Classification Criteria 13 December 2019. Collection method: clinical testing. Allele origin: germline.

Laboratory for Molecular Medicine, Mass General Brigham Personalized Medicine
Classification: Likely benign. Last evaluated: 2017-12-21. Review status: criteria provided, single submitter. Criteria: LMM Criteria. Collection method: clinical testing. Allele origin: germline. Observed: 3 variant alleles.
Comment: p.Ile1918Met in exon 24 of MYO15A: This variant is not expected to have clinica l significance because it has been identified in 0.3% (394/126610) of European c hromosomes by the Genome Aggregation Database (gnomAD; dbSNP rs150403702). ACMG/AMP criteria applied: BS1.

PreventionGenetics, part of Exact Sciences
Classification: Likely benign for MYO15A-related condition. Last evaluated: 2022-07-12. Review status: no assertion criteria provided. Collection method: clinical testing. Allele origin: germline. Not counted in ClinVar's aggregate classification.
Comment: This variant is classified as likely benign based on ACMG/AMP sequence variant interpretation guidelines (Richards et al. 2015 PMID: 25741868, with internal and published modifications).

NM_016239.4(MYO15A):c.5754T>G (p.Ile1918Met)

Gene: MYO15A (myosin XVA; plus strand). Cytogenetic location: 17p11.2.
Variant type: single nucleotide variant.
Coding change: c.5754T>G on transcript NM_016239.4 (MANE Select); coding-DNA position 5754, T replaced by G.
Protein change: p.Ile1918Met; replaces isoleucine 1918 with methionine.
Molecular consequence: missense variant.
Genome position (GRCh38, 1-based): chr17:18,142,183, T>G. VCF-style: chr17-18142183-T-G. GRCh37 (hg19) VCF-style: chr17-18045497-T-G.
Other names: short protein forms I1918M.
Identifiers: ClinVar variation 178444 (VCV000178444.48), dbSNP rs150403702, ClinGen allele CA182346.
Genomic context (GRCh38, chr17:18,142,183, plus strand): 5'-AGAGCATGTCCTGAATCTGGCAGCCCTCACTCTGCAGCGCTGCCTCCGTGGCTTCTTCAT[T>G]AAGCGGCGATTCCGCTCTCTGCGCCACAAGATCATCCTGCTGCAAAGCCGGGCCCGTGGC-3'
Protein context (NP_057323.3, residues 1908-1928): TLQRCLRGFF[Ile1918Met]KRRFRSLRHK